The following is an entry in ClinVar:

ClinVar aggregate classification (germline): Conflicting classifications of pathogenicity. Review status: criteria provided, conflicting classifications (1 of 4 stars). 2 submissions from 2 submitters: Uncertain significance (1); Likely benign (1). Last evaluated 2024-03-06.

Conditions:
Cardiomyopathy (CMYO). Also called: Cardiomyopathies. Identifiers: Orphanet 167848, MedGen C0878544, MONDO:0004994, HP:0001638. Inheritance: Various modes of inheritance.
Arrhythmogenic cardiomyopathy with wooly hair and keratoderma. Also called: Carvajal syndrome; Arrhythmogenic cardiomyopathy with woolly hair and keratoderma; PALMOPLANTAR KERATODERMA WITH LEFT VENTRICULAR CARDIOMYOPATHY AND WOOLLY HAIR; Dilated cardiomyopathy with woolly hair and keratoderma. Identifiers: Orphanet 65282, MedGen C1854063, MONDO:0011581, OMIM 605676.
Arrhythmogenic right ventricular dysplasia 8 (ARVD8). Also called: Arrhythmogenic Right Ventricular Dysplasia/Cardiomyopathy 8; ARRHYTHMOGENIC RIGHT VENTRICULAR DYSPLASIA, FAMILIAL, 8; ARRHYTHMOGENIC RIGHT VENTRICULAR CARDIOMYOPATHY 8. Identifiers: MedGen C1843896, MONDO:0011831, OMIM 607450.

Allele frequency attached by ClinVar (database versions not stated): ExAC 0.00001.
gnomAD v4.1: 4 of 1,609,240 alleles (0.00025%); highest among the groups gnomAD compares: Non-Finnish European, 0.00034%; no homozygotes.

Submissions (2):

Color Diagnostics, LLC DBA Color Health
Classification: Uncertain significance for Cardiomyopathy. Last evaluated: 2024-03-06. Review status: criteria provided, single submitter. Criteria: ACMG Guidelines, 2015. Collection method: clinical testing. Allele origin: germline.
Comment: This missense variant replaces serine with cysteine at codon 2839 of the DSP protein. Computational prediction suggests that this variant may not impact protein structure and function (internally defined REVEL score threshold <= 0.5, PMID: 27666373). To our knowledge, functional studies have not been reported for this variant. This variant has not been reported in individuals affected with cardiovascular disorders in the literature. This variant has been identified in 1/245262 chromosomes in the general population by the Genome Aggregation Database (gnomAD). The available evidence is insufficient to determine the role of this variant in disease conclusively. Therefore, this variant is classified as a Variant of Uncertain Significance.

Labcorp Genetics (formerly Invitae), Labcorp
Classification: Likely benign for Arrhythmogenic cardiomyopathy with wooly hair and keratoderma; Arrhythmogenic right ventricular dysplasia 8. Last evaluated: 2020-11-25. Review status: criteria provided, single submitter. Criteria: Invitae Variant Classification Sherloc (09022015). Collection method: clinical testing. Allele origin: germline.

NM_004415.4(DSP):c.8516C>G (p.Ser2839Cys)

Gene: DSP (desmoplakin; plus strand). Cytogenetic location: 6p24.3.
Variant type: single nucleotide variant.
Coding change: c.8516C>G on transcript NM_004415.4 (MANE Select); coding-DNA position 8516, C replaced by G.
Protein change: p.Ser2839Cys; replaces serine 2839 with cysteine.
Molecular consequence: missense variant.
Genome position (GRCh38, 1-based): chr6:7,585,778, C>G. VCF-style: chr6-7585778-C-G. GRCh37 (hg19) VCF-style: chr6-7586011-C-G.
Other names: c.6719C>G, p.Ser2240Cys (NM_001008844.3); c.7187C>G, p.Ser2396Cys (NM_001319034.2); short protein forms S2240C, S2396C, S2839C.
Identifiers: ClinVar variation 1095734 (VCV001095734.6), dbSNP rs750438076, ClinGen allele CA052682.
Genomic context (GRCh38, chr6:7,585,778, plus strand): 5'-TGTCTTCGGCTCCGGGGTCCCGCTCCGGCTCCCGCTCGGGATCTCGCTCCGGATCTCGCT[C>G]CGGGTCCCGCAGTGGGTCCCGGAGAGGAAGCTTTGACGCCACAGGGAATTCTTCCTACTC-3'
Protein context (NP_004406.2, residues 2829-2849): SRSGSRSGSR[Ser2839Cys]GSRSGSRRGS